The following is an entry in ClinVar:

ClinVar aggregate classification (germline): Pathogenic/Likely pathogenic. Review status: criteria provided, multiple submitters, no conflicts (2 of 4 stars). 2 submissions from 2 submitters: Pathogenic (1); Likely pathogenic (1). Last evaluated 2026-02-19.

Conditions:
Methylcobalamin deficiency type cblG (HMAG). Also called: HOMOCYSTINURIA-MEGALOBLASTIC ANEMIA DUE TO DEFECT IN COBALAMIN METABOLISM, cblG COMPLEMENTATION TYPE; HOMOCYSTINURIA-MEGALOBLASTIC ANEMIA, cblG COMPLEMENTATION TYPE; Functional methionine synthase deficiency type cblG; HOMOCYSTINURIA-MEGALOBLASTIC ANEMIA, cblG TYPE. Identifiers: Orphanet 2170, Orphanet 622, MedGen C1855128, MONDO:0009609, OMIM 250940.

Allele frequency attached by ClinVar (database versions not stated): TOPMed 0.00001; gnomAD exomes below 0.00001.

Submissions (2):

Dasa
Classification: Likely pathogenic. Last evaluated: 2026-02-19. Review status: criteria provided, single submitter. Criteria: DASA Assertion Criteria. Collection method: clinical testing. Allele origin: germline.
Comment: NM_000254.3(MTR):c.1200dup (p.Val401Cysfs*19) is a frameshift variant in MTR predicted to alter the reading frame and introduce a premature termination codon and is predicted to result in an absent or altered protein product. Loss of function is an established disease mechanism for MTR-associated disorders. Also, this variant is rare in population databases. Based on the currently available evidence, this variant is classified as likely pathogenic.

Labcorp Genetics (formerly Invitae), Labcorp
Classification: Pathogenic for Methylcobalamin deficiency type cblG. Last evaluated: 2024-05-29. Review status: criteria provided, single submitter. Criteria: Invitae Variant Classification Sherloc (09022015). Collection method: clinical testing. Allele origin: germline.
Comment: This sequence change creates a premature translational stop signal (p.Val401Cysfs*19) in the MTR gene. It is expected to result in an absent or disrupted protein product. Loss-of-function variants in MTR are known to be pathogenic (PMID: 9683607, 12068375). This variant is present in population databases (no rsID available, gnomAD 0.003%). This variant has not been reported in the literature in individuals affected with MTR-related conditions. ClinVar contains an entry for this variant (Variation ID: 1905103). For these reasons, this variant has been classified as Pathogenic.

Literature cited by the submitters: PubMed 9683607 (cited by Labcorp Genetics (formerly Invitae), Labcorp); PubMed 12068375 (cited by Labcorp Genetics (formerly Invitae), Labcorp).

NM_000254.3(MTR):c.1200dup (p.Val401fs)

Gene: MTR (5-methyltetrahydrofolate-homocysteine methyltransferase; plus strand). Cytogenetic location: 1q43.
Variant type: Duplication.
Coding change: c.1200dup on transcript NM_000254.3 (MANE Select); coding-DNA position 1200, one base duplicated (T; older notation c.1200dupT).
Protein change: p.Val401fs; shifts the reading frame from valine 401.
Molecular consequence: frameshift variant. On other transcripts: 5 prime UTR variant (1).
Genome position (GRCh38, 1-based): chr1:236,835,558, T duplicated. VCF-style (leftmost placement, unchanged base first): chr1-236835557-G-GT. GRCh37 (hg19) VCF-style: chr1-236998857-G-GT.
Other names: c.1200dup, p.Val401fs (NM_001291939.1); c.-22dup (NM_001291940.2); c.1200dup, p.Val401Cysfs (NM_001410942.1); short protein forms V401fs.
Identifiers: ClinVar variation 1905103 (VCV001905103.7), dbSNP rs1343645070, ClinGen allele CA529539042.
Genomic context (GRCh38, chr1:236,835,557, plus strand): 5'-CTCCTAGTAACTGTCTCCTAATGCTGCTTCCTCTCTCATTCTTCCTTCAGGAAGCCTTGT[G>GT]TGTTGCCAAAGTGCAGGTGGAAATGGGAGCCCAGGTGTTGGATGTCAACATGGATGATGG-3'